The following is an entry in ClinVar:

ClinVar aggregate classification (germline): Benign. Review status: criteria provided, multiple submitters, no conflicts (2 of 4 stars). 2 submissions from 2 submitters: Benign (2). Last evaluated 2019-11-11.

Allele frequency attached by ClinVar (database versions not stated): ESP Exome Variant Server 0.99555; 1000 Genomes Project 30x 0.99688; ExAC 0.99849; gnomAD exomes 0.99864; TOPMed 0.99534; 1000 Genomes Project 0.99709.

Submissions (3):

Centre for Mendelian Genomics, University Medical Centre Ljubljana
Classification: Benign. Last evaluated: 2019-11-11. Review status: criteria provided, single submitter. Criteria: ACMG Guidelines, 2015. Collection method: clinical testing. Allele origin: unknown. Affected: yes.
Comment: This variant was classified as: Benign. The following ACMG criteria were applied in classifying this variant: BS1,BS2. This variant was detected in hemizygous state.

Breakthrough Genomics
Classification: Benign. Review status: criteria provided, single submitter. Criteria: ACMG Guidelines, 2015. Collection method: not provided. Allele origin: germline. Inheritance: Unknown mechanism. Affected: yes.

Dr. Peter K. Rogan Lab, Western University
No classification provided (evidence only). Condition: Hepatocellular carcinoma. Review status: no classification provided. Collection method: in vitro. Allele origin: not applicable. Functional consequence: retained intron. Not counted in ClinVar's aggregate classification.

NM_017848.6(FAM120C):c.2427+5G>T

Gene: FAM120C (family with sequence similarity 120 member C; minus strand). Cytogenetic location: Xp11.22.
Variant type: single nucleotide variant.
Coding change: c.2427+5G>T on transcript NM_017848.6 (MANE Select); 5 bases into the intron after coding-DNA position 2427, G replaced by T.
Molecular consequence: intron variant.
Genome position (GRCh38, 1-based): chrX:54,091,307, C>A on the plus strand (G>T on the coding strand, the complement: FAM120C is on the minus strand). VCF-style: chrX-54091307-C-A. GRCh37 (hg19) VCF-style: chrX-54117740-C-A.
Other names: NC_000023.10:g.54117740C>A; c.2427+5G>T (NM_001300788.2).
Identifiers: ClinVar variation 931516 (VCV000931516.5), dbSNP rs2495797, ClinGen allele CA10423833.